The following is an entry in ClinVar:

ClinVar aggregate classification (germline): Uncertain significance (1 of 4 stars; one submission).

Allele frequency attached by ClinVar (database versions not stated): gnomAD exomes below 0.00001; ExAC 0.00002.
gnomAD v4.1: 3 of 1,198,370 alleles (0.00025%); highest among the groups gnomAD compares: Admixed American, 0.0065%; no homozygotes.

Submission:

Labcorp Genetics (formerly Invitae), Labcorp
Classification: Uncertain significance. Last evaluated: 2025-08-21. Review status: criteria provided, single submitter. Criteria: Invitae Variant Classification Sherloc (09022015). Collection method: clinical testing. Allele origin: germline.
Comment: This sequence change replaces glycine, which is neutral and non-polar, with alanine, which is neutral and non-polar, at codon 237 of the PGK1 protein (p.Gly237Ala). This variant is present in population databases (rs782739117, gnomAD 0.008%). This variant has not been reported in the literature in individuals affected with PGK1-related conditions. ClinVar contains an entry for this variant (Variation ID: 2175781). Invitae Evidence Modeling of protein sequence and biophysical properties (such as structural, functional, and spatial information, amino acid conservation, physicochemical variation, residue mobility, and thermodynamic stability) indicates that this missense variant is not expected to disrupt PGK1 protein function with a negative predictive value of 80%. In summary, the available evidence is currently insufficient to determine the role of this variant in disease. Therefore, it has been classified as a Variant of Uncertain Significance.

NM_000291.4(PGK1):c.710G>C (p.Gly237Ala)

Gene: PGK1 (phosphoglycerate kinase 1; plus strand). Cytogenetic location: Xq21.1.
Variant type: single nucleotide variant.
Coding change: c.710G>C on transcript NM_000291.4 (MANE Select); coding-DNA position 710, G replaced by C.
Protein change: p.Gly237Ala; replaces glycine 237 with alanine.
Molecular consequence: missense variant.
Genome position (GRCh38, 1-based): chrX:78,122,903, G>C. VCF-style: chrX-78122903-G-C. GRCh37 (hg19) VCF-style: chrX-77378400-G-C.
Other names: short protein forms G237A.
Identifiers: ClinVar variation 2175781 (VCV002175781.4), dbSNP rs782739117, ClinGen allele CA10459751.